The following is an entry in ClinVar:

NM_001353921.2(ARHGEF9):c.544C>T (p.Pro182Ser)

Gene: ARHGEF9 (Cdc42 guanine nucleotide exchange factor 9; minus strand). Cytogenetic location: Xq11.1.
Variant type: single nucleotide variant.
Coding change: c.544C>T on transcript NM_001353921.2 (MANE Select); coding-DNA position 544, C replaced by T.
Protein change: p.Pro182Ser; replaces proline 182 with serine.
Molecular consequence: missense variant.
Genome position (GRCh38, 1-based): chrX:63,697,163, G>A on the plus strand (C>T on the coding strand, the complement: ARHGEF9 is on the minus strand). VCF-style: chrX-63697163-G-A. GRCh37 (hg19) VCF-style: chrX-62917043-G-A.
Other names: c.364C>T, p.Pro122Ser (NM_001173479.2); c.217C>T, p.Pro73Ser (NM_001173480.2, NM_001369042.1); c.460C>T, p.Pro154Ser (NM_001330495.2, NM_001353927.2, NM_001369033.1 and 8 more transcripts); c.544C>T, p.Pro182Ser (NM_001353922.2); c.562C>T, p.Pro188Ser (NM_001353923.1); c.343C>T, p.Pro115Ser (NM_001353924.2, NM_001353926.2, NM_001369039.1 and 1 more transcripts); c.523C>T, p.Pro175Ser (NM_001353928.2, NM_001369030.1, NM_001369031.1 and 2 more transcripts); c.109C>T, p.Pro37Ser (NM_001369045.1); short protein forms P188S, P175S, P182S, P37S, P122S, P154S, P73S, P115S.
Identifiers: ClinVar variation 1046051 (VCV001046051.12), dbSNP rs2051812917, ClinGen allele CA413406900.
Genomic context (GRCh38, chrX:63,697,163, plus strand): 5'-CCCAAATGGATAAGATACTTACGTGCTCTAGGAAGCAGGGTCCTATCTCGCTGAGGTGGG[G>A]GTCATCATTGTTATACTGTTTCTCCAGGTCTCTCACAAAGCCCATCTGAAATCTGTAGAT-3'
Protein context (NP_001340850.1, residues 172-192): DLEKQYNNDD[Pro182Ser]HLSEIGPCFL

ClinVar aggregate classification (germline): Uncertain significance (1 of 4 stars; one submission).

Conditions:
Developmental and epileptic encephalopathy, 8 (DEE8). Also called: HYPEREKPLEXIA AND EPILEPSY. Identifiers: Orphanet 163985, Orphanet 2076, MedGen C1845102, MONDO:0010375, OMIM 300607.

Submission:

Labcorp Genetics (formerly Invitae), Labcorp
Classification: Uncertain significance for Developmental and epileptic encephalopathy, 8. Last evaluated: 2022-08-23. Review status: criteria provided, single submitter. Criteria: Invitae Variant Classification Sherloc (09022015). Collection method: clinical testing. Allele origin: germline.
Comment: This sequence change replaces proline, which is neutral and non-polar, with serine, which is neutral and polar, at codon 175 of the ARHGEF9 protein (p.Pro175Ser). This variant is not present in population databases (gnomAD no frequency). This variant has not been reported in the literature in individuals affected with ARHGEF9-related conditions. In summary, the available evidence is currently insufficient to determine the role of this variant in disease. Therefore, it has been classified as a Variant of Uncertain Significance. ClinVar contains an entry for this variant (Variation ID: 1046051). Algorithms developed to predict the effect of missense changes on protein structure and function (SIFT, PolyPhen-2, Align-GVGD) all suggest that this variant is likely to be disruptive.